The following is an entry in ClinVar:

ClinVar aggregate classification (germline): Pathogenic/Likely pathogenic. Review status: criteria provided, multiple submitters, no conflicts (2 of 4 stars). 7 submissions from 7 submitters: Pathogenic (3); Likely pathogenic (3). 1 of the submissions does not count toward it. Last evaluated 2025-10-21.

Conditions:
Autosomal recessive limb-girdle muscular dystrophy. Identifiers: Orphanet 102015, MedGen C2931907, MONDO:0015152.
Muscular dystrophy, limb-girdle, autosomal dominant 4. Also called: Calpain-3-related limb-girdle muscular dystrophy D4; MUSCULAR DYSTROPHY, LIMB-GIRDLE, TYPE 1I. Identifiers: Orphanet 565909, MedGen C4748295, MONDO:0029133, OMIM 618129.
Autosomal recessive limb-girdle muscular dystrophy type 2A (LGMDR1). Also called: Calpainopathy; MUSCULAR DYSTROPHY, PELVOFEMORAL; Limb-girdle muscular dystrophy, type 2A; Muscular dystrophy, limb-girdle, type 2A, Amish; LEYDEN-MOEBIUS MUSCULAR DYSTROPHY. Identifiers: Orphanet 267, MedGen C1869123, MONDO:0009675, OMIM 253600. Disease mechanism: loss of function.

Allele frequency attached by ClinVar (database versions not stated): gnomAD exomes below 0.00001 and 0.00002; gnomAD 0.00001; ExAC 0.00002; TOPMed 0.00002.

Submissions (7):

Women's Health and Genetics/Laboratory Corporation of America, LabCorp
Classification: Pathogenic for Autosomal recessive limb-girdle muscular dystrophy. Last evaluated: 2025-10-21. Review status: criteria provided, single submitter. Criteria: LabCorp Variant Classification Summary - May 2015. Collection method: clinical testing. Allele origin: germline.
Comment: Variant summary: CAPN3 c.649G>A (p.Glu217Lys) results in a conservative amino acid change in the encoded protein sequence. Algorithms developed to predict the effect of missense changes on protein structure and function are either unavailable or do not agree on the potential impact of this missense change. The variant allele was found at a frequency of 1.6e-05 in 251462 control chromosomes (gnomAD). c.649G>A has been observed in individuals affected with Limb-Girdle Muscular Dystrophy, Autosomal Recessive (Richard_1999, Fanin_2004, Piluso_2005, Groen_2007, Internal data). These data indicate that the variant is likely to be associated with disease. At least one publication reports experimental evidence evaluating an impact on protein function. The most pronounced variant effect results in <10% of normal activity (Jia_2001). The following publications have been ascertained in the context of this evaluation (PMID: 15221789, 18055493, 11371436, 16141003, 10330340). ClinVar contains an entry for this variant (Variation ID: 288404). Based on the evidence outlined above, the variant was classified as pathogenic.

Labcorp Genetics (formerly Invitae), Labcorp
Classification: Pathogenic for Autosomal recessive limb-girdle muscular dystrophy type 2A. Last evaluated: 2025-07-15. Review status: criteria provided, single submitter. Criteria: Invitae Variant Classification Sherloc (09022015). Collection method: clinical testing. Allele origin: germline.
Comment: This sequence change replaces glutamic acid, which is acidic and polar, with lysine, which is basic and polar, at codon 217 of the CAPN3 protein (p.Glu217Lys). This variant is present in population databases (rs773001194, gnomAD 0.01%). This missense change has been observed in individuals with autosomal recessive limb-girdle muscular dystrophy (PMID: 15221789, 16141003, 18055493, 20517216, 23821418, 26484845; internal data). It has also been observed to segregate with disease in related individuals. This variant has been reported in individual(s) with autosomal dominant limb-girdle muscular dystrophy (PMID: 20517216); however, the role of the variant in this condition is currently unclear. ClinVar contains an entry for this variant (Variation ID: 288404). Invitae Evidence Modeling of protein sequence and biophysical properties (such as structural, functional, and spatial information, amino acid conservation, physicochemical variation, residue mobility, and thermodynamic stability) indicates that this missense variant is expected to disrupt CAPN3 protein function with a positive predictive value of 80%. Experimental studies have shown that this missense change affects CAPN3 function (PMID: 11371436). For these reasons, this variant has been classified as Pathogenic.

Athena Diagnostics
Classification: Likely pathogenic. Last evaluated: 2025-02-19. Review status: criteria provided, single submitter. Criteria: Athena Diagnostics Criteria. Collection method: clinical testing. Allele origin: unknown.
Comment: The frequency of this variant in the general population is consistent with pathogenicity. This variant has been identified in multiple unrelated individuals with clinical features associated with autosomal recessive limb-girdle muscular dystrophy (LGMD). In multiple individuals, this variant has been seen with a single recessive pathogenic variant in the same gene, suggesting this variant may also be pathogenic. Polyphen and MutationTaster predict this amino acid change may be damaging to the protein.

Institute of Human Genetics, University of Leipzig Medical Center
Classification: Likely pathogenic for Autosomal recessive limb-girdle muscular dystrophy type 2A. Last evaluated: 2024-10-01. Review status: criteria provided, single submitter. Criteria: ACMG Guidelines, 2015. Collection method: clinical testing. Allele origin: unknown. Affected: yes.
Comment: Criteria applied: PS4_MOD,PM3,PM1_SUP,PM2,PP3

Baylor Genetics
Classification: Pathogenic for Muscular dystrophy, limb-girdle, autosomal dominant 4. Last evaluated: 2022-12-21. Review status: criteria provided, single submitter. Criteria: ACMG Guidelines, 2015. Collection method: clinical testing. Allele origin: unknown.

Eurofins Ntd Llc (ga)
Classification: Likely pathogenic. Last evaluated: 2016-06-01. Review status: criteria provided, single submitter. Criteria: EGL Classification Definitions 2015. Collection method: clinical testing. Allele origin: germline. Observed: 1 variant allele, 1 heterozygote.

Natera, Inc.
Classification: Pathogenic for Limb-girdle muscular dystrophy type 2A. Last evaluated: 2020-06-08. Review status: no assertion criteria provided. Collection method: clinical testing. Allele origin: germline. Not counted in ClinVar's aggregate classification.

Literature cited by the submitters: PubMed 16141003 (cited by 3 submitters); PubMed 15221789 (cited by 4 submitters); PubMed 18055493 (cited by 3 submitters); PubMed 10330340 (cited by Women's Health and Genetics/Laboratory Corporation of America, LabCorp and Eurofins Ntd Llc (ga)); PubMed 11371436 (cited by 3 submitters); PubMed 20517216 (cited by Labcorp Genetics (formerly Invitae), Labcorp); PubMed 23821418 (cited by Labcorp Genetics (formerly Invitae), Labcorp and Athena Diagnostics); PubMed 26484845 (cited by 3 submitters); PubMed 34720847 (cited by Athena Diagnostics); PubMed 18854869 (cited by Athena Diagnostics); PubMed 11297944 (cited by Athena Diagnostics); PubMed 27500519 (cited by Athena Diagnostics); PubMed 23553538 (cited by Athena Diagnostics); PubMed 26886200 (cited by Athena Diagnostics).

NM_000070.3(CAPN3):c.649G>A (p.Glu217Lys)

Gene: CAPN3 (calpain 3; plus strand). Cytogenetic location: 15q15.1.
Variant type: single nucleotide variant.
Coding change: c.649G>A on transcript NM_000070.3 (MANE Select); coding-DNA position 649, G replaced by A.
Protein change: p.Glu217Lys; replaces glutamic acid 217 with lysine.
Molecular consequence: missense variant.
Genome position (GRCh38, 1-based): chr15:42,388,944, G>A. VCF-style: chr15-42388944-G-A. GRCh37 (hg19) VCF-style: chr15-42681142-G-A.
Other names: c.649G>A, p.Glu217Lys (NM_024344.2, NM_173087.2); short protein forms E217K.
Identifiers: ClinVar variation 288404 (VCV000288404.19), dbSNP rs773001194, ClinGen allele CA7511092.